The following is an entry in ClinVar:

NM_001177701.3(IFT27):c.33A>C (p.Ala11=)

Gene: IFT27 (intraflagellar transport 27; minus strand). Cytogenetic location: 22q12.3.
Variant type: single nucleotide variant.
Coding change: c.33A>C on transcript NM_001177701.3 (MANE Select); coding-DNA position 33, A replaced by C.
Protein change: p.Ala11=; no amino-acid change (alanine 11 retained).
Molecular consequence: synonymous variant. On other transcripts: non-coding transcript variant (1).
Genome position (GRCh38, 1-based): chr22:36,775,675, T>G on the plus strand (A>C on the coding strand, the complement: IFT27 is on the minus strand). VCF-style: chr22-36775675-T-G. GRCh37 (hg19) VCF-style: chr22-37171719-T-G.
Other names: c.33A>C, p.Ala11= (NM_001363003.2, NM_006860.5); c.33A>C (NM_006860.4).
Identifiers: ClinVar variation 2125210 (VCV002125210.4), dbSNP rs931964336, ClinGen allele CA324014994.

ClinVar aggregate classification (germline): Uncertain significance. Review status: criteria provided, single submitter (1 of 4 stars). 2 submissions from 2 submitters: Uncertain significance (1). 1 of the submissions does not count toward it. Last evaluated 2022-09-16.

Conditions:
IFT27-related disorder. Also called: IFT27-related condition.

Allele frequency attached by ClinVar (database versions not stated): gnomAD 0.00001; TOPMed 0.00001.
gnomAD v4.1: 2 of 1,614,064 alleles (0.00012%); highest among the groups gnomAD compares: Non-Finnish European, 0.000085%; no homozygotes.

Submissions (2):

Labcorp Genetics (formerly Invitae), Labcorp
Classification: Uncertain significance. Last evaluated: 2022-09-16. Review status: criteria provided, single submitter. Criteria: Invitae Variant Classification Sherloc (09022015). Collection method: clinical testing. Allele origin: germline.
Comment: Algorithms developed to predict the effect of sequence changes on RNA splicing suggest that this variant is not likely to affect RNA splicing. In summary, the available evidence is currently insufficient to determine the role of this variant in disease. Therefore, it has been classified as a Variant of Uncertain Significance. This variant has not been reported in the literature in individuals affected with IFT27-related conditions. This sequence change affects codon 11 of the IFT27 mRNA. It is a 'silent' change, meaning that it does not change the encoded amino acid sequence of the IFT27 protein. It affects a nucleotide within the consensus splice site. This variant is not present in population databases (gnomAD no frequency).

PreventionGenetics, part of Exact Sciences
Classification: Likely benign for IFT27-related condition. Last evaluated: 2022-06-24. Review status: no assertion criteria provided. Collection method: clinical testing. Allele origin: germline. Not counted in ClinVar's aggregate classification.
Comment: This variant is classified as likely benign based on ACMG/AMP sequence variant interpretation guidelines (Richards et al. 2015 PMID: 25741868, with internal and published modifications).